The following is an entry in ClinVar:

ClinVar aggregate classification (germline): Uncertain significance. Review status: criteria provided, multiple submitters, no conflicts (2 of 4 stars). 2 submissions from 2 submitters: Uncertain significance (2). Last evaluated 2025-03-22.

gnomAD v4.1: 11 of 1,596,184 alleles (0.00069%); highest among the groups gnomAD compares: African/African-American, 0.0013%; no homozygotes.

Submissions (2):

Ambry Genetics
Classification: Uncertain significance. Last evaluated: 2025-03-22. Review status: criteria provided, single submitter. Criteria: Ambry Variant Classification Scheme 2023. Collection method: clinical testing. Allele origin: germline.

Labcorp Genetics (formerly Invitae), Labcorp
Classification: Uncertain significance. Last evaluated: 2024-03-16. Review status: criteria provided, single submitter. Criteria: Invitae Variant Classification Sherloc (09022015). Collection method: clinical testing. Allele origin: germline.
Comment: This sequence change replaces cysteine, which is neutral and slightly polar, with tyrosine, which is neutral and polar, at codon 2211 of the FBN3 protein (p.Cys2211Tyr). This variant is present in population databases (rs151278974, gnomAD 0.005%). This variant has not been reported in the literature in individuals affected with FBN3-related conditions. Advanced modeling of protein sequence and biophysical properties (such as structural, functional, and spatial information, amino acid conservation, physicochemical variation, residue mobility, and thermodynamic stability) performed at Invitae indicates that this missense variant is expected to disrupt FBN3 protein function with a positive predictive value of 80%. In summary, the available evidence is currently insufficient to determine the role of this variant in disease. Therefore, it has been classified as a Variant of Uncertain Significance.

NM_032447.5(FBN3):c.6632G>A (p.Cys2211Tyr)

Gene: FBN3 (fibrillin 3; minus strand). Cytogenetic location: 19p13.2.
Variant type: single nucleotide variant.
Coding change: c.6632G>A on transcript NM_032447.5 (MANE Select); coding-DNA position 6632, G replaced by A.
Protein change: p.Cys2211Tyr; replaces cysteine 2211 with tyrosine.
Molecular consequence: missense variant.
Genome position (GRCh38, 1-based): chr19:8,087,199, C>T on the plus strand (G>A on the coding strand, the complement: FBN3 is on the minus strand). VCF-style: chr19-8087199-C-T. GRCh37 (hg19) VCF-style: chr19-8152083-C-T.
Other names: c.6632G>A (NM_032447.3); c.6632G>A, p.Cys2211Tyr (NM_001321431.2); short protein forms C2211Y.
Identifiers: ClinVar variation 3704068 (VCV003704068.3).